The following is an entry in ClinVar:

NM_021729.6(VPS11):c.187+79G>A

Gene: VPS11 (VPS11 core subunit of CORVET and HOPS complexes; plus strand). Cytogenetic location: 11q23.3.
Variant type: single nucleotide variant.
Coding change: c.187+79G>A on transcript NM_021729.6 (MANE Select); 79 bases into the intron after coding-DNA position 187, G replaced by A.
Molecular consequence: intron variant. On other transcripts: synonymous variant (2).
Genome position (GRCh38, 1-based): chr11:119,068,089, G>A. VCF-style: chr11-119068089-G-A. GRCh37 (hg19) VCF-style: chr11-118938800-G-A.
Other names: c.21G>A, p.Arg7= (NM_001290185.2, NM_001378221.1); c.187+79G>A (NM_001378218.1, NM_001378219.1, NM_001378220.1).
Identifiers: ClinVar variation 5007797 (VCV005007797.2).

ClinVar aggregate classification (germline): Uncertain significance (1 of 4 stars; one submission).

Conditions:
Leukodystrophy, hypomyelinating, 12. Identifiers: Orphanet 466934, MedGen C4225247, MONDO:0014732, OMIM 616683.
Dystonia 32. Identifiers: MedGen C5562029, MONDO:0030486, OMIM 619637.

gnomAD v4.1: 51 of 1,444,216 alleles (0.0035%); highest among the groups gnomAD compares: East Asian, 0.091%; no homozygotes.

Submission:

Juno Genomics, Hangzhou Juno Genomics, Inc
Classification: Uncertain significance for Dystonia 32; Leukodystrophy, hypomyelinating, 12. Review status: criteria provided, single submitter. Criteria: ACMG Guidelines, 2015. Collection method: clinical testing. Allele origin: germline.
Comment: Absent from controls (or at extremely low frequency if recessive) in Genome Aggregation Database.;Multiple lines of computational evidence support a deleterious effect on the gene or gene product.